The following is an entry in ClinVar:

ClinVar aggregate classification (germline): Uncertain significance (1 of 4 stars; one submission).

Conditions:
Dilated cardiomyopathy 1DD (CMD1DD). Identifiers: Orphanet 154, MedGen C2750995, MONDO:0013168, OMIM 613172.

gnomAD v4.1: 3 of 1,549,488 alleles (0.00019%); highest among the groups gnomAD compares: Non-Finnish European, 0.00026%; no homozygotes.

Submission:

Labcorp Genetics (formerly Invitae), Labcorp
Classification: Uncertain significance for Dilated cardiomyopathy 1DD. Last evaluated: 2022-06-22. Review status: criteria provided, single submitter. Criteria: Invitae Variant Classification Sherloc (09022015). Collection method: clinical testing. Allele origin: germline.
Comment: In summary, the available evidence is currently insufficient to determine the role of this variant in disease. Therefore, it has been classified as a Variant of Uncertain Significance. Advanced modeling of protein sequence and biophysical properties (such as structural, functional, and spatial information, amino acid conservation, physicochemical variation, residue mobility, and thermodynamic stability) performed at Invitae indicates that this missense variant is not expected to disrupt RBM20 protein function. This variant has not been reported in the literature in individuals affected with RBM20-related conditions. This variant is not present in population databases (gnomAD no frequency). This sequence change replaces glutamine, which is neutral and polar, with glutamic acid, which is acidic and polar, at codon 856 of the RBM20 protein (p.Gln856Glu).

NM_001134363.3(RBM20):c.2566C>G (p.Gln856Glu)

Gene: RBM20 (RNA binding motif protein 20; plus strand). Cytogenetic location: 10q25.2.
Variant type: single nucleotide variant.
Coding change: c.2566C>G on transcript NM_001134363.3 (MANE Select); coding-DNA position 2566, C replaced by G.
Protein change: p.Gln856Glu; replaces glutamine 856 with glutamic acid.
Molecular consequence: missense variant.
Genome position (GRCh38, 1-based): chr10:110,820,087, C>G. VCF-style: chr10-110820087-C-G. GRCh37 (hg19) VCF-style: chr10-112579845-C-G.
Other names: short protein forms Q856E.
Identifiers: ClinVar variation 2009065 (VCV002009065.2), dbSNP rs1045950607, ClinGen allele CA378376706.